The following is an entry in ClinVar:

NM_002691.4(POLD1):c.27_32del (p.7PG[2])

Gene: POLD1 (DNA polymerase delta 1, catalytic subunit; plus strand). Cytogenetic location: 19q13.33.
Variant type: Deletion.
Coding change: c.27_32del on transcript NM_002691.4 (MANE Select); coding-DNA positions 27 to 32, 6 bases deleted (AGGGCC; older notation c.27_32delAGGGCC).
Protein change: p.7PG[2].
Molecular consequence: inframe deletion. On other transcripts: non-coding transcript variant (1).
Genome position (GRCh38, 1-based): chr19:50,398,878-50,398,883, AGGGCC deleted; deleting any 6 consecutive bases within chr19:50,398,876-50,398,883 gives the same sequence; the c. name uses the placement nearest the transcript's 3' end. VCF-style (leftmost placement, unchanged base first): chr19-50398875-CCCAGGG-C. GRCh37 (hg19) VCF-style: chr19-50902132-CCCAGGG-C.
Other names: c.27_32del, p.7PG[2] (NM_001256849.1, NM_001308632.1).
Identifiers: ClinVar variation 2902906 (VCV002902906.3), dbSNP rs2513932042, ClinGen allele CA2739276993.

ClinVar aggregate classification (germline): Uncertain significance (1 of 4 stars; one submission).

Conditions:
POLD1-related polyposis and colorectal cancer syndrome (CRCS10). Also called: Colorectal cancer 10; COLORECTAL CANCER, SUSCEPTIBILITY TO, ON CHROMOSOME 19q; Colorectal cancer, susceptibility to, 10. Identifiers: Orphanet 220460, MedGen C2675481, MONDO:0012953, OMIM 612591.

Submission:

Labcorp Genetics (formerly Invitae), Labcorp
Classification: Uncertain significance for POLD1-related polyposis and colorectal cancer syndrome. Last evaluated: 2023-03-27. Review status: criteria provided, single submitter. Criteria: Invitae Variant Classification Sherloc (09022015). Collection method: clinical testing. Allele origin: germline.
Comment: Experimental studies and prediction algorithms are not available or were not evaluated, and the functional significance of this variant is currently unknown. This variant has not been reported in the literature in individuals affected with POLD1-related conditions. This variant is not present in population databases (gnomAD no frequency). This variant, c.27_32del, results in the deletion of 2 amino acid(s) of the POLD1 protein (p.Pro11_Gly12del), but otherwise preserves the integrity of the reading frame. In summary, the available evidence is currently insufficient to determine the role of this variant in disease. Therefore, it has been classified as a Variant of Uncertain Significance.